The following is an entry in ClinVar:

ClinVar aggregate classification (germline): Pathogenic. Review status: criteria provided, multiple submitters, no conflicts (2 of 4 stars). 4 submissions from 4 submitters: Pathogenic (2). 2 of the submissions do not count toward it. Last evaluated 2024-10-29.

Conditions:
RYR1-related disorder. Also called: RYR1-related condition; RYR1-related disorders. Identifiers: MedGen CN239331.
Central core myopathy (CMYO1A). Also called: Central core disease; Myopathy, central fibrillar; CONGENITAL MYOPATHY 1A, AUTOSOMAL DOMINANT, WITH SUSCEPTIBILITY TO MALIGNANT HYPERTHERMIA. Identifiers: Orphanet 597, MedGen C5830701, MONDO:0007294, OMIM 117000.

Submissions (4):

Labcorp Genetics (formerly Invitae), Labcorp
Classification: Pathogenic for RYR1-related disorder. Last evaluated: 2024-10-29. Review status: criteria provided, single submitter. Criteria: Invitae Variant Classification Sherloc (09022015). Collection method: clinical testing. Allele origin: germline.
Comment: This sequence change replaces phenylalanine, which is neutral and non-polar, with serine, which is neutral and polar, at codon 4921 of the RYR1 protein (p.Phe4921Ser). This variant is not present in population databases (gnomAD no frequency). This missense change has been observed in individual(s) with central core disease and/or congenital myopathy (PMID: 16621918, 34440373). In at least one individual the variant was observed to be de novo. ClinVar contains an entry for this variant (Variation ID: 65939). Invitae Evidence Modeling of protein sequence and biophysical properties (such as structural, functional, and spatial information, amino acid conservation, physicochemical variation, residue mobility, and thermodynamic stability) indicates that this missense variant is expected to disrupt RYR1 protein function with a positive predictive value of 80%. This variant disrupts the p.Phe4921 amino acid residue in RYR1. Other variant(s) that disrupt this residue have been observed in individuals with RYR1-related conditions (PMID: 16621918, 29556213, 32403337), which suggests that this may be a clinically significant amino acid residue. For these reasons, this variant has been classified as Pathogenic.

Juno Genomics, Hangzhou Juno Genomics, Inc
Classification: Pathogenic for Central core myopathy. Review status: criteria provided, single submitter. Criteria: ACMG Guidelines, 2015. Collection method: clinical testing. Allele origin: germline. Affected: yes.
Comment: Absent from controls (or at extremely low frequency if recessive) in Genome Aggregation Database, Exome Sequencing Project, 1000 Genomes Project, or Exome Aggregation Consortium.;De novo (both maternity and paternity confirmed) in a patient with the disease and no family history.;Novel missense change at an amino acid residue where a different missense change determined to be pathogenic has been seen before.;Multiple lines of computational evidence support a deleterious effect on the gene or gene product (conservation, evolutionary, splicing impact, etc).;The prevalence of the variant in affected individuals is significantly increased compared to the prevalence in controls.;Patient's phenotype or family history is highly specific for a disease with a single genetic etiology.

GeneReviews
Classification: Pathogenic for Central Core Disease. Last evaluated: 2010-05-11. Review status: no assertion criteria provided. Collection method: curation. Allele origin: unknown. Not counted in ClinVar's aggregate classification.
ClinVar note: Converted during submission from pathologic to Pathogenic.

RYR1 database
No classification provided. Review status: no classification provided. Collection method: not provided. Allele origin: unknown. Not counted in ClinVar's aggregate classification.

Literature cited by the submitters: PubMed 16621918 (cited by Labcorp Genetics (formerly Invitae), Labcorp); PubMed 34440373 (cited by Labcorp Genetics (formerly Invitae), Labcorp); PubMed 29556213 (cited by Labcorp Genetics (formerly Invitae), Labcorp); PubMed 32403337 (cited by Labcorp Genetics (formerly Invitae), Labcorp).

NM_000540.3(RYR1):c.14762T>C (p.Phe4921Ser)

Gene: RYR1 (ryanodine receptor 1; plus strand). Cytogenetic location: 19q13.2.
Variant type: single nucleotide variant.
Coding change: c.14762T>C on transcript NM_000540.3 (MANE Select); coding-DNA position 14762, T replaced by C.
Protein change: p.Phe4921Ser; replaces phenylalanine 4921 with serine.
Molecular consequence: missense variant.
Genome position (GRCh38, 1-based): chr19:38,585,058, T>C. VCF-style: chr19-38585058-T-C. GRCh37 (hg19) VCF-style: chr19-39075698-T-C.
Other names: c.14747T>C, p.Phe4916Ser (NM_001042723.2); short protein forms F4921S, F4916S.
Identifiers: ClinVar variation 65939 (VCV000065939.11), dbSNP rs118192156, ClinGen allele CA024251.